The following is an entry in ClinVar:

NM_001077350.3(NPRL3):c.283G>C (p.Gly95Arg)

Genes: HBA-LCR (alpha-globin locus control region; plus strand), NPRL3 (NPR3 like, GATOR1 complex subunit; minus strand). Cytogenetic location: 16p13.3.
Variant type: single nucleotide variant.
Coding change: c.283G>C on transcript NM_001077350.3 (MANE Select); coding-DNA position 283, G replaced by C.
Protein change: p.Gly95Arg; replaces glycine 95 with arginine.
Molecular consequence: missense variant. On other transcripts: intron variant (1).
Genome position (GRCh38, 1-based): chr16:119,161, C>G on the plus strand (G>C on the coding strand, the complement: NPRL3 is on the minus strand). VCF-style: chr16-119161-C-G. GRCh37 (hg19) VCF-style: chr16-169160-C-G.
Other names: c.49G>C, p.Gly17Arg (NM_001243247.2); c.283G>C, p.Gly95Arg (NM_001243248.2, NM_001243249.2); c.-144-6386G>C (NM_001039476.3); short protein forms G17R, G95R.
Identifiers: ClinVar variation 2015937 (VCV002015937.4), dbSNP rs2542869719, ClinGen allele CA393995277.

ClinVar aggregate classification (germline): Uncertain significance (1 of 4 stars; one submission).

Conditions:
Epilepsy, familial focal, with variable foci 3 (FFEVF3). Identifiers: MedGen C4310708, MONDO:0014925, OMIM 617118.

Submission:

Labcorp Genetics (formerly Invitae), Labcorp
Classification: Uncertain significance for Epilepsy, familial focal, with variable foci 3. Last evaluated: 2025-06-02. Review status: criteria provided, single submitter. Criteria: Invitae Variant Classification Sherloc (09022015). Collection method: clinical testing. Allele origin: germline.
Comment: This sequence change replaces glycine, which is neutral and non-polar, with arginine, which is basic and polar, at codon 95 of the NPRL3 protein (p.Gly95Arg). This variant is not present in population databases (gnomAD no frequency). This variant has not been reported in the literature in individuals affected with NPRL3-related conditions. ClinVar contains an entry for this variant (Variation ID: 2015937). Invitae Evidence Modeling of protein sequence and biophysical properties (such as structural, functional, and spatial information, amino acid conservation, physicochemical variation, residue mobility, and thermodynamic stability) indicates that this missense variant is expected to disrupt NPRL3 protein function with a positive predictive value of 80%. In summary, the available evidence is currently insufficient to determine the role of this variant in disease. Therefore, it has been classified as a Variant of Uncertain Significance.